The following is an entry in ClinVar:

ClinVar aggregate classification (germline): Uncertain significance (1 of 4 stars; one submission).

Allele frequency attached by ClinVar (database versions not stated): gnomAD 0.00001; gnomAD exomes 0.00001.
gnomAD v4.1: 13 of 1,608,554 alleles (0.00081%); highest among the groups gnomAD compares: Non-Finnish European, 0.00017%; no homozygotes.

Submission:

Labcorp Genetics (formerly Invitae), Labcorp
Classification: Uncertain significance. Last evaluated: 2024-05-15. Review status: criteria provided, single submitter. Criteria: Invitae Variant Classification Sherloc (09022015). Collection method: clinical testing. Allele origin: germline.
Comment: This sequence change replaces phenylalanine, which is neutral and non-polar, with tyrosine, which is neutral and polar, at codon 1313 of the COL11A1 protein (p.Phe1313Tyr). This variant is present in population databases (rs200014253, gnomAD 0.02%). This variant has not been reported in the literature in individuals affected with COL11A1-related conditions. ClinVar contains an entry for this variant (Variation ID: 1417010). Advanced modeling of protein sequence and biophysical properties (such as structural, functional, and spatial information, amino acid conservation, physicochemical variation, residue mobility, and thermodynamic stability) has been performed at Invitae for this missense variant, however the output from this modeling did not meet the statistical confidence thresholds required to predict the impact of this variant on COL11A1 protein function. In summary, the available evidence is currently insufficient to determine the role of this variant in disease. Therefore, it has been classified as a Variant of Uncertain Significance.

NM_001854.4(COL11A1):c.3938T>A (p.Phe1313Tyr)

Gene: COL11A1 (collagen type XI alpha 1 chain; minus strand). Cytogenetic location: 1p21.1.
Variant type: single nucleotide variant.
Coding change: c.3938T>A on transcript NM_001854.4 (MANE Select); coding-DNA position 3938, T replaced by A.
Protein change: p.Phe1313Tyr; replaces phenylalanine 1313 with tyrosine.
Molecular consequence: missense variant. On other transcripts: non-coding transcript variant (1).
Genome position (GRCh38, 1-based): chr1:102,914,392, A>T on the plus strand (T>A on the coding strand, the complement: COL11A1 is on the minus strand). VCF-style: chr1-102914392-A-T. GRCh37 (hg19) VCF-style: chr1-103379948-A-T.
Other names: c.3821T>A, p.Phe1274Tyr (NM_001190709.2); c.3974T>A, p.Phe1325Tyr (NM_080629.3); c.3590T>A, p.Phe1197Tyr (NM_080630.4); short protein forms F1274Y, F1313Y, F1197Y, F1325Y.
Identifiers: ClinVar variation 1417010 (VCV001417010.8), dbSNP rs200014253, ClinGen allele CA27676618.
Genomic context (GRCh38, chr1:102,914,392, plus strand): 5'-GATTTTTCCCTGATACTTACTGCAGGGCCAGGTTCCCCAGGAGGACCAGGATCTCCAGGA[A>T]AACCAACAGGACCCTAGAATGACGTTTTGAAAGAAAAAGAAATAAATGAAAAATAAATTT-3'
Protein context (NP_001845.3, residues 1303-1323): GPKGNPGPVG[Phe1313Tyr]PGDPGPPGEP